The following is an entry in ClinVar:

NM_000529.2(MC2R):c.*1099A>T

Gene: MC2R (melanocortin 2 receptor; minus strand). Cytogenetic location: 18p11.21.
Variant type: single nucleotide variant.
Coding change: c.*1099A>T on transcript NM_000529.2 (MANE Select); 1099 bases downstream of the stop codon, A replaced by T.
Molecular consequence: 3 prime UTR variant.
Genome position (GRCh38, 1-based): chr18:13,883,526, T>A on the plus strand (A>T on the coding strand, the complement: MC2R is on the minus strand). VCF-style: chr18-13883526-T-A. GRCh37 (hg19) VCF-style: chr18-13883525-T-A.
Other names: c.*1099A>T (NM_001291911.1).
Identifiers: ClinVar variation 326145 (VCV000326145.6), dbSNP rs3888305, ClinGen allele CA10647203.

ClinVar aggregate classification (germline): Benign. Review status: criteria provided, multiple submitters, no conflicts (2 of 4 stars). 2 submissions from 2 submitters: Benign (2). Last evaluated 2018-01-13.

Conditions:
Glucocorticoid deficiency 1 (GCCD1). Also called: FAMILIAL GLUCOCORTICOID DEFICIENCY 1; Adrenal unresponsiveness to acth; Glucocorticoid deficiency, due to ACTH unresponsiveness. Identifiers: Orphanet 361, MedGen C4049650, MONDO:0024536, OMIM 202200.

Allele frequency attached by ClinVar (database versions not stated): gnomAD exomes 0.38596; 1000 Genomes Project 0.52117; 1000 Genomes Project 30x 0.52795; gnomAD 0.56429 and 0.57649; TOPMed 0.57403.
gnomAD v4.1: 84,839 of 150,542 alleles (56%); highest among the groups gnomAD compares: African/African-American, 79%; 25,589 homozygotes.

Submissions (2):

Illumina Laboratory Services, Illumina
Classification: Benign for Glucocorticoid deficiency 1. Last evaluated: 2018-01-13. Review status: criteria provided, single submitter. Criteria: ICSL Variant Classification Criteria 13 December 2019. Collection method: clinical testing. Allele origin: germline.
Comment: This variant was observed in the ICSL laboratory as part of a predisposition screen in an ostensibly healthy population. It had not been previously curated by ICSL or reported in the Human Gene Mutation Database (HGMD: prior to June 1st, 2018), and was therefore a candidate for classification through an automated scoring system. Utilizing variant allele frequency, disease prevalence and penetrance estimates, and inheritance mode, an automated score was calculated to assess if this variant is too frequent to cause the disease. Based on the score and internal cut-off values, a variant classified as benign is not then subjected to further curation. The score for this variant resulted in a classification of benign for this disease.

Breakthrough Genomics
Classification: Benign. Review status: criteria provided, single submitter. Criteria: ACMG Guidelines, 2015. Collection method: not provided. Allele origin: germline. Inheritance: Autosomal recessive inheritance. Affected: yes.